The following is an entry in ClinVar:

ClinVar aggregate classification (germline): Uncertain significance. Review status: criteria provided, multiple submitters, no conflicts (2 of 4 stars). 2 submissions from 2 submitters: Uncertain significance (2). Last evaluated 2025-05-12.

Conditions:
Developmental and epileptic encephalopathy. Identifiers: MedGen C5779964, MONDO:0100620.

Allele frequency attached by ClinVar (database versions not stated): ExAC 0.00001; gnomAD exomes 0.00002.
gnomAD v4.1: 23 of 1,605,622 alleles (0.0014%); highest among the groups gnomAD compares: Non-Finnish European, 0.0019%; no homozygotes.

Submissions (2):

GeneDx
Classification: Uncertain significance. Last evaluated: 2025-05-12. Review status: criteria provided, single submitter. Criteria: GeneDx Variant Classification Process June 2021. Collection method: clinical testing. Allele origin: germline. Affected: yes.
Comment: Not observed at significant frequency in large population cohorts (gnomAD); In silico analysis supports that this missense variant has a deleterious effect on protein structure/function; This variant is associated with the following publications: (PMID: 36964972)

Labcorp Genetics (formerly Invitae), Labcorp
Classification: Uncertain significance for Early-infantile DEE. Last evaluated: 2022-04-06. Review status: criteria provided, single submitter. Criteria: Invitae Variant Classification Sherloc (09022015). Collection method: clinical testing. Allele origin: germline.
Comment: This sequence change replaces arginine, which is basic and polar, with histidine, which is basic and polar, at codon 291 of the SLC25A22 protein (p.Arg291His). The frequency data for this variant in the population databases is considered unreliable, as metrics indicate poor data quality at this position in the gnomAD database. This variant has not been reported in the literature in individuals affected with SLC25A22-related conditions. Algorithms developed to predict the effect of missense changes on protein structure and function are either unavailable or do not agree on the potential impact of this missense change (SIFT: "Deleterious"; PolyPhen-2: "Probably Damaging"; Align-GVGD: "Class C0"). In summary, the available evidence is currently insufficient to determine the role of this variant in disease. Therefore, it has been classified as a Variant of Uncertain Significance.

NM_001191061.2(SLC25A22):c.872G>A (p.Arg291His)

Gene: SLC25A22 (solute carrier family 25 member 22; minus strand). Cytogenetic location: 11p15.5.
Variant type: single nucleotide variant.
Coding change: c.872G>A on transcript NM_001191061.2 (MANE Select); coding-DNA position 872, G replaced by A.
Protein change: p.Arg291His; replaces arginine 291 with histidine.
Molecular consequence: missense variant.
Genome position (GRCh38, 1-based): chr11:792,015, C>T on the plus strand (G>A on the coding strand, the complement: SLC25A22 is on the minus strand). VCF-style: chr11-792015-C-T. GRCh37 (hg19) VCF-style: chr11-792015-C-T.
Other names: c.872G>A, p.Arg291His (NM_001191060.2, NM_024698.6); c.872G>A (NM_024698.5); short protein forms R291H.
Identifiers: ClinVar variation 1911431 (VCV001911431.3), dbSNP rs776176541, ClinGen allele CA5789015.